The following is an entry in ClinVar:

NM_032444.4(SLX4):c.2014-28G>A

Gene: SLX4 (SLX4 structure-specific endonuclease subunit; minus strand). Cytogenetic location: 16p13.3.
Variant type: single nucleotide variant.
Coding change: c.2014-28G>A on transcript NM_032444.4 (MANE Select); 28 bases into the intron before coding-DNA position 2014, G replaced by A.
Molecular consequence: intron variant.
Genome position (GRCh38, 1-based): chr16:3,594,627, C>T on the plus strand (G>A on the coding strand, the complement: SLX4 is on the minus strand). VCF-style: chr16-3594627-C-T. GRCh37 (hg19) VCF-style: chr16-3644628-C-T.
Identifiers: ClinVar variation 929587 (VCV000929587.1), dbSNP rs200455476, ClinGen allele CA7866321.

ClinVar aggregate classification (germline): Likely benign (0 of 4 stars; one submission).

Allele frequency attached by ClinVar (database versions not stated): gnomAD exomes 0.00010 and 0.00025; ExAC 0.00015; gnomAD 0.00015 and 0.00016; TOPMed 0.00021; ESP Exome Variant Server 0.00023; 1000 Genomes Project 30x 0.00047; 1000 Genomes Project 0.00060.
gnomAD v4.1: 190 of 1,613,674 alleles (0.012%); highest among the groups gnomAD compares: Admixed American, 0.022%; 1 homozygote.

Submission:

Leiden Open Variation Database
Classification: Likely benign. Last evaluated: 2012-08-31. Review status: no assertion criteria provided. Collection method: curation. Allele origin: germline. Affected: yes.
Comment: Curator: Arleen D. Auerbach. Submitter to LOVD: Janine Bakker.

Literature cited by the submitters: PubMed 22911665.